The following is an entry in ClinVar:

ClinVar aggregate classification (germline): Uncertain significance (1 of 4 stars; one submission).

Conditions:
Inborn genetic diseases. Identifiers: MedGen C0950123, MeSH D030342.

Allele frequency attached by ClinVar (database versions not stated): gnomAD exomes below 0.00001.
gnomAD v4.1: 2 of 1,594,720 alleles (0.00013%); highest among the groups gnomAD compares: Non-Finnish European, 0.00017%; no homozygotes.

Submission:

Ambry Genetics
Classification: Uncertain significance for Inborn genetic diseases. Last evaluated: 2022-12-12. Review status: criteria provided, single submitter. Criteria: Ambry Variant Classification Scheme 2023. Collection method: clinical testing. Allele origin: germline.
Comment: The c.4760C>T (p.A1587V) alteration is located in exon 34 (coding exon 34) of the ARFGEF1 gene. This alteration results from a C to T substitution at nucleotide position 4760, causing the alanine (A) at amino acid position 1587 to be replaced by a valine (V). This variant was not reported in population-based cohorts in the Genome Aggregation Database (gnomAD). This amino acid position is not well conserved in available vertebrate species. This alteration is predicted to be tolerated by in silico analysis. Based on insufficient or conflicting evidence, the clinical significance of this alteration remains unclear.

NM_006421.5(ARFGEF1):c.4760C>T (p.Ala1587Val)

Gene: ARFGEF1 (ARF guanine nucleotide exchange factor 1; minus strand). Cytogenetic location: 8q13.2.
Variant type: single nucleotide variant.
Coding change: c.4760C>T on transcript NM_006421.5 (MANE Select); coding-DNA position 4760, C replaced by T.
Protein change: p.Ala1587Val; replaces alanine 1587 with valine.
Molecular consequence: missense variant.
Genome position (GRCh38, 1-based): chr8:67,211,542, G>A on the plus strand (C>T on the coding strand, the complement: ARFGEF1 is on the minus strand). VCF-style: chr8-67211542-G-A. GRCh37 (hg19) VCF-style: chr8-68123777-G-A.
Other names: c.4760C>T, p.Ala1587Val (NM_001413184.1, NM_001413187.1, NM_001413191.1 and 1 more transcripts); c.4742C>T, p.Ala1581Val (NM_001413185.1, NM_001413186.1, NM_001413189.1 and 1 more transcripts); c.4160C>T, p.Ala1387Val (NM_001413188.1, NM_001413197.1); c.4754C>T, p.Ala1585Val (NM_001413190.1); c.4142C>T, p.Ala1381Val (NM_001413193.1); c.3335C>T, p.Ala1112Val (NM_001413196.1); short protein forms A1387V, A1585V, A1381V, A1112V, A1581V, A1587V.
Identifiers: ClinVar variation 2320765 (VCV002320765.2), dbSNP rs2491244611, ClinGen allele CA371185991.